The following is an entry in ClinVar:

NM_017617.5(NOTCH1):c.4373C>A (p.Ala1458Glu)

Gene: NOTCH1 (notch receptor 1; minus strand). Cytogenetic location: 9q34.3.
Variant type: single nucleotide variant.
Coding change: c.4373C>A on transcript NM_017617.5 (MANE Select); coding-DNA position 4373, C replaced by A.
Protein change: p.Ala1458Glu; replaces alanine 1458 with glutamic acid.
Molecular consequence: missense variant.
Genome position (GRCh38, 1-based): chr9:136,505,523, G>T on the plus strand (C>A on the coding strand, the complement: NOTCH1 is on the minus strand). VCF-style: chr9-136505523-G-T. GRCh37 (hg19) VCF-style: chr9-139399975-G-T.
Other names: short protein forms A1458E.
Identifiers: ClinVar variation 3609883 (VCV003609883.2).

ClinVar aggregate classification (germline): Uncertain significance (1 of 4 stars; one submission).

Conditions:
Adams-Oliver syndrome 5 (AOS5). Identifiers: Orphanet 974, MedGen C4014970, MONDO:0014459, OMIM 616028.

gnomAD v4.1: 2 of 1,612,404 alleles (0.00012%); highest among the groups gnomAD compares: South Asian, 0.0022%; no homozygotes.

Submission:

Labcorp Genetics (formerly Invitae), Labcorp
Classification: Uncertain significance for Adams-Oliver syndrome 5. Last evaluated: 2024-08-06. Review status: criteria provided, single submitter. Criteria: Invitae Variant Classification Sherloc (09022015). Collection method: clinical testing. Allele origin: germline.
Comment: This sequence change replaces alanine, which is neutral and non-polar, with glutamic acid, which is acidic and polar, at codon 1458 of the NOTCH1 protein (p.Ala1458Glu). This variant is not present in population databases (gnomAD no frequency). This variant has not been reported in the literature in individuals affected with NOTCH1-related conditions. Advanced modeling of protein sequence and biophysical properties (such as structural, functional, and spatial information, amino acid conservation, physicochemical variation, residue mobility, and thermodynamic stability) performed at Invitae indicates that this missense variant is expected to disrupt NOTCH1 protein function with a positive predictive value of 80%. In summary, the available evidence is currently insufficient to determine the role of this variant in disease. Therefore, it has been classified as a Variant of Uncertain Significance.